The following is an entry in ClinVar:

ClinVar aggregate classification (germline): Uncertain significance (1 of 4 stars; one submission).

Conditions:
T-B+ severe combined immunodeficiency due to JAK3 deficiency. Also called: SCID, autosomal recessive, T-negative/B-positive type; SCID, T CELL-NEGATIVE, B CELL-POSITIVE, NK CELL-NEGATIVE. Identifiers: Orphanet 35078, MedGen C1833275, MONDO:0010938, OMIM 600802.

Submission:

Labcorp Genetics (formerly Invitae), Labcorp
Classification: Uncertain significance for T-B+ severe combined immunodeficiency due to JAK3 deficiency. Last evaluated: 2022-11-02. Review status: criteria provided, single submitter. Criteria: Invitae Variant Classification Sherloc (09022015). Collection method: clinical testing. Allele origin: germline.
Comment: This variant, c.3005_3007del, results in the deletion of 1 amino acid(s) of the JAK3 protein (p.Asn1002del), but otherwise preserves the integrity of the reading frame. This variant is not present in population databases (gnomAD no frequency). In summary, the available evidence is currently insufficient to determine the role of this variant in disease. Therefore, it has been classified as a Variant of Uncertain Significance. Experimental studies and prediction algorithms are not available or were not evaluated, and the functional significance of this variant is currently unknown. This variant has not been reported in the literature in individuals affected with JAK3-related conditions.

NM_000215.4(JAK3):c.3002ACA[1] (p.Asn1002del)

Gene: JAK3 (Janus kinase 3; minus strand). Cytogenetic location: 19p13.11.
Variant type: Microsatellite.
Coding change: c.3002ACA[1] on transcript NM_000215.4 (MANE Select); one copy of the 3-base unit ACA starting at c.3002; the reference has two copies in a row; one copy, 3 bases deleted.
Protein change: p.Asn1002del; deletes asparagine 1002.
Molecular consequence: inframe deletion.
Genome position (GRCh38, 1-based): chr19:17,830,592-17,830,594, TGT deleted on the plus strand (ACA on the coding strand, the reverse complement: JAK3 is on the minus strand); deleting any 3 consecutive bases within chr19:17,830,592-17,830,597 gives the same sequence; the position shown is the placement nearest the transcript's 3' end. VCF-style (leftmost placement, unchanged base first): chr19-17830591-ATGT-A. GRCh37 (hg19) VCF-style: chr19-17941400-ATGT-A.
Other names: short protein forms N1002del.
Identifiers: ClinVar variation 2048132 (VCV002048132.4), dbSNP rs1337417350, ClinGen allele CA783874135.
Genomic context (GRCh38, chr19:17,830,591, plus strand): 5'-TAGGTGAAGAGCTCGTACAGGACGACCCCGAAGCTCCAGACGTCTGACTGGCGAGAGAAG[ATGT>A]TGTCCGAGAGGGATTCGGGGGCATACCTGGAGAGGGGACAAGGTCTTGAGATGCGAGGGT-3'